The following is an entry in ClinVar:

ClinVar aggregate classification (germline): Uncertain significance. Review status: criteria provided, multiple submitters, no conflicts (2 of 4 stars). 2 submissions from 2 submitters: Uncertain significance (2). Last evaluated 2024-01-25.

Conditions:
Myofibrillar myopathy 5. Also called: Filaminopathy (type); FILAMINOPATHY, AUTOSOMAL DOMINANT. Identifiers: Orphanet 171445, MedGen C1836050, MONDO:0012289, OMIM 609524.
Hypertrophic cardiomyopathy 26. Also called: Cardiomyopathy, familial hypertrophic, 26. Identifiers: Orphanet 75249, MedGen C4310749, MONDO:0014883, OMIM 617047.
Distal myopathy with posterior leg and anterior hand involvement. Also called: WILLIAMS DISTAL MYOPATHY. Identifiers: Orphanet 63273, MedGen C3279722, MONDO:0013550, OMIM 614065.
Cardiovascular phenotype. Identifiers: MedGen CN230736.

Submissions (2):

Labcorp Genetics (formerly Invitae), Labcorp
Classification: Uncertain significance for Distal myopathy with posterior leg and anterior hand involvement; Myofibrillar myopathy 5; Hypertrophic cardiomyopathy 26. Last evaluated: 2024-01-25. Review status: criteria provided, single submitter. Criteria: Invitae Variant Classification Sherloc (09022015). Collection method: clinical testing. Allele origin: germline.
Comment: This sequence change replaces glycine, which is neutral and non-polar, with serine, which is neutral and polar, at codon 1363 of the FLNC protein (p.Gly1363Ser). This variant is not present in population databases (gnomAD no frequency). This variant has not been reported in the literature in individuals affected with FLNC-related conditions. Advanced modeling of protein sequence and biophysical properties (such as structural, functional, and spatial information, amino acid conservation, physicochemical variation, residue mobility, and thermodynamic stability) has been performed at Invitae for this missense variant, however the output from this modeling did not meet the statistical confidence thresholds required to predict the impact of this variant on FLNC protein function. In summary, the available evidence is currently insufficient to determine the role of this variant in disease. Therefore, it has been classified as a Variant of Uncertain Significance.

Ambry Genetics
Classification: Uncertain significance for Cardiovascular phenotype. Last evaluated: 2024-01-23. Review status: criteria provided, single submitter. Criteria: Ambry Variant Classification Scheme 2023. Collection method: clinical testing. Allele origin: germline.
Comment: The p.G1363S variant (also known as c.4087G>A), located in coding exon 23 of the FLNC gene, results from a G to A substitution at nucleotide position 4087. The glycine at codon 1363 is replaced by serine, an amino acid with similar properties. This amino acid position is conserved. In addition, the in silico prediction for this alteration is inconclusive. Based on the available evidence, the clinical significance of this alteration remains unclear.

NM_001458.5(FLNC):c.4087G>A (p.Gly1363Ser)

Gene: FLNC (filamin C; plus strand). Cytogenetic location: 7q32.1.
Variant type: single nucleotide variant.
Coding change: c.4087G>A on transcript NM_001458.5 (MANE Select); coding-DNA position 4087, G replaced by A.
Protein change: p.Gly1363Ser; replaces glycine 1363 with serine.
Molecular consequence: missense variant.
Genome position (GRCh38, 1-based): chr7:128,846,423, G>A. VCF-style: chr7-128846423-G-A. GRCh37 (hg19) VCF-style: chr7-128486477-G-A.
Other names: c.4087G>A, p.Gly1363Ser (NM_001127487.2); short protein forms G1363S.
Identifiers: ClinVar variation 2927890 (VCV002927890.4), dbSNP rs2536642362, ClinGen allele CA369199083.